The following is an entry in ClinVar:

NM_198253.3(TERT):c.817G>C (p.Val273Leu)

Gene: TERT (telomerase reverse transcriptase; minus strand). Cytogenetic location: 5p15.33.
Variant type: single nucleotide variant.
Coding change: c.817G>C on transcript NM_198253.3 (MANE Select); coding-DNA position 817, G replaced by C.
Protein change: p.Val273Leu; replaces valine 273 with leucine.
Molecular consequence: missense variant. On other transcripts: non-coding transcript variant (2).
Genome position (GRCh38, 1-based): chr5:1,294,069, C>G on the plus strand (G>C on the coding strand, the complement: TERT is on the minus strand). VCF-style: chr5-1294069-C-G. GRCh37 (hg19) VCF-style: chr5-1294184-C-G.
Other names: c.817G>C, p.Val273Leu (NM_001193376.3, NM_003219.1); short protein forms V273L.
Identifiers: ClinVar variation 2934437 (VCV002934437.4), dbSNP rs1419875176, ClinGen allele CA359056654.

ClinVar aggregate classification (germline): Uncertain significance. Review status: criteria provided, multiple submitters, no conflicts (2 of 4 stars). 2 submissions from 2 submitters: Uncertain significance (2). Last evaluated 2026-03-31.

Conditions:
Dyskeratosis congenita, autosomal dominant 2. Identifiers: MedGen C3151443, MONDO:0013521, OMIM 613989.
Idiopathic Pulmonary Fibrosis. Also called: Idiopathic fibrosing alveolitis, chronic form; idiopathic fibrosing alveolitis. Identifiers: Orphanet 2032, MedGen C1800706, MeSH D054990, MONDO:0800504.
Dyskeratosis congenita. Identifiers: Orphanet 1775, MedGen C0265965, MONDO:0015780.

Allele frequency attached by ClinVar (database versions not stated): gnomAD exomes 0.00001.

Submissions (2):

Ambry Genetics
Classification: Uncertain significance for Dyskeratosis congenita. Last evaluated: 2026-03-31. Review status: criteria provided, single submitter. Criteria: Ambry Variant Classification Scheme 2023. Collection method: clinical testing. Allele origin: germline.
Comment: The p.V273L variant (also known as c.817G>C), located in coding exon 2 of the TERT gene, results from a G to C substitution at nucleotide position 817. The valine at codon 273 is replaced by leucine, an amino acid with highly similar properties. This amino acid position is conserved. In addition, this alteration is predicted to be tolerated by in silico analysis. Based on the available evidence, the clinical significance of this variant remains unclear.

Labcorp Genetics (formerly Invitae), Labcorp
Classification: Uncertain significance for Dyskeratosis congenita, autosomal dominant 2; Idiopathic Pulmonary Fibrosis. Last evaluated: 2023-10-05. Review status: criteria provided, single submitter. Criteria: Invitae Variant Classification Sherloc (09022015). Collection method: clinical testing. Allele origin: germline.
Comment: This sequence change replaces valine, which is neutral and non-polar, with leucine, which is neutral and non-polar, at codon 273 of the TERT protein (p.Val273Leu). This variant is present in population databases (no rsID available, gnomAD 0.002%). This variant has not been reported in the literature in individuals affected with TERT-related conditions. Advanced modeling of protein sequence and biophysical properties (such as structural, functional, and spatial information, amino acid conservation, physicochemical variation, residue mobility, and thermodynamic stability) has been performed at Invitae for this missense variant, however the output from this modeling did not meet the statistical confidence thresholds required to predict the impact of this variant on TERT protein function. In summary, the available evidence is currently insufficient to determine the role of this variant in disease. Therefore, it has been classified as a Variant of Uncertain Significance.